The following is an entry in ClinVar:

ClinVar aggregate classification (germline): Uncertain significance. Review status: criteria provided, multiple submitters, no conflicts (2 of 4 stars). 2 submissions from 2 submitters: Uncertain significance (2). Last evaluated 2025-06-25.

Conditions:
Spondyloepimetaphyseal dysplasia-short limb-abnormal calcification syndrome (SMED-SL). Also called: SMED, TYPE II; SMED-SL/AC; SMED short limb-hand type; SMED type 2; Spondylometaepiphyseal dysplasia short limb-abnormal calcification type; Smed short limb-abnormal calcification type. Identifiers: Orphanet 93358, MedGen C1849011, MONDO:0010077, OMIM 271665.

Allele frequency attached by ClinVar (database versions not stated): gnomAD 0.00003; TOPMed 0.00003; gnomAD exomes 0.00004; ExAC 0.00007; 1000 Genomes Project 30x 0.00016; 1000 Genomes Project 0.00020.
gnomAD v4.1: 68 of 1,604,106 alleles (0.0042%); highest among the groups gnomAD compares: Middle Eastern, 0.038%; no homozygotes.

Submissions (2):

Labcorp Genetics (formerly Invitae), Labcorp
Classification: Uncertain significance. Last evaluated: 2025-06-25. Review status: criteria provided, single submitter. Criteria: Invitae Variant Classification Sherloc (09022015). Collection method: clinical testing. Allele origin: germline.
Comment: This sequence change replaces cysteine, which is neutral and slightly polar, with serine, which is neutral and polar, at codon 503 of the DDR2 protein (p.Cys503Ser). This variant is present in population databases (rs573628844, gnomAD 0.02%). This variant has not been reported in the literature in individuals affected with DDR2-related conditions. ClinVar contains an entry for this variant (Variation ID: 293379). An algorithm developed to predict the effect of missense changes on protein structure and function (PolyPhen-2) suggests that this variant is likely to be tolerated. In summary, the available evidence is currently insufficient to determine the role of this variant in disease. Therefore, it has been classified as a Variant of Uncertain Significance.

Illumina Laboratory Services, Illumina
Classification: Uncertain significance for Spondyloepimetaphyseal dysplasia-short limb-abnormal calcification syndrome. Last evaluated: 2018-01-13. Review status: criteria provided, single submitter. Criteria: ICSL Variant Classification Criteria 13 December 2019. Collection method: clinical testing. Allele origin: germline.

NM_006182.4(DDR2):c.1508G>C (p.Cys503Ser)

Gene: DDR2 (discoidin domain receptor tyrosine kinase 2; plus strand). Cytogenetic location: 1q23.3.
Variant type: single nucleotide variant.
Coding change: c.1508G>C on transcript NM_006182.4 (MANE Select); coding-DNA position 1508, G replaced by C.
Protein change: p.Cys503Ser; replaces cysteine 503 with serine.
Molecular consequence: missense variant.
Genome position (GRCh38, 1-based): chr1:162,772,027, G>C. VCF-style: chr1-162772027-G-C. GRCh37 (hg19) VCF-style: chr1-162741817-G-C.
Other names: c.1508G>C, p.Cys503Ser (LRG_1390t1, NM_001014796.3, NM_001354982.2 and 1 more transcripts); short protein forms C503S.
Identifiers: ClinVar variation 293379 (VCV000293379.8), dbSNP rs573628844, ClinGen allele CA1217579.
Genomic context (GRCh38, chr1:162,772,027, plus strand): 5'-GAAGAGATCTCCAAAGACACTCCACGGAATGAGGGCTCGTTGCCCTTGTCTTCCCAGGCT[G>C]CAGCGGTGTTGTGAAGCCAGTCCAGCCCAGTGGCCCTGAGGGGGTGCCCCACTATGCAGA-3'
Protein context (NP_006173.2, residues 493-513): EFAPGEEESG[Cys503Ser]SGVVKPVQPS